The following is an entry in ClinVar:

NM_000059.4(BRCA2):c.4078G>T (p.Asp1360Tyr)

Gene: BRCA2 (BRCA2 DNA repair associated; plus strand). Cytogenetic location: 13q13.1.
Variant type: single nucleotide variant.
Coding change: c.4078G>T on transcript NM_000059.4 (MANE Select); coding-DNA position 4078, G replaced by T.
Protein change: p.Asp1360Tyr; replaces aspartic acid 1360 with tyrosine.
Molecular consequence: missense variant.
Genome position (GRCh38, 1-based): chr13:32,338,433, G>T. VCF-style: chr13-32338433-G-T. GRCh37 (hg19) VCF-style: chr13-32912570-G-T.
Other names: c.4078G>T, p.Asp1360Tyr (NM_001406719.1, NM_001406720.1); short protein forms D1360Y.
Identifiers: ClinVar variation 2003756 (VCV002003756.7), dbSNP rs2548527587, ClinGen allele CA387779171.

ClinVar aggregate classification (germline): Conflicting classifications of pathogenicity. Review status: criteria provided, conflicting classifications (1 of 4 stars). 3 submissions from 3 submitters: Uncertain significance (2); Likely benign (1). Last evaluated 2025-02-17.

Conditions:
Hereditary cancer-predisposing syndrome. Also called: Hereditary neoplastic syndrome; Hereditary Cancer Syndrome; Tumor predisposition; Neoplastic Syndromes, Hereditary. Identifiers: Orphanet 140162, MedGen C0027672, MeSH D009386, MONDO:0015356.
Hereditary breast ovarian cancer syndrome. Also called: BRCA1- and BRCA2-Associated Hereditary Breast and Ovarian Cancer; Hereditary breast and ovarian cancer syndrome (HBOC); Hereditary breast and/or ovarian cancer syndrome; Hereditary breast and ovarian cancer; Breast and ovarian cancer; Hereditary breast and ovarian cancer syndrome. Identifiers: Orphanet 145, MedGen C0677776, MeSH D061325, MONDO:0003582. Disease mechanism: loss of function.

Submissions (3):

Labcorp Genetics (formerly Invitae), Labcorp
Classification: Uncertain significance for Hereditary breast ovarian cancer syndrome. Last evaluated: 2025-02-17. Review status: criteria provided, single submitter. Criteria: Invitae Variant Classification Sherloc (09022015). Collection method: clinical testing. Allele origin: germline.
Comment: This sequence change replaces aspartic acid, which is acidic and polar, with tyrosine, which is neutral and polar, at codon 1360 of the BRCA2 protein (p.Asp1360Tyr). This variant is not present in population databases (gnomAD no frequency). This variant has not been reported in the literature in individuals affected with BRCA2-related conditions. ClinVar contains an entry for this variant (Variation ID: 2003756). Invitae Evidence Modeling of protein sequence and biophysical properties (such as structural, functional, and spatial information, amino acid conservation, physicochemical variation, residue mobility, and thermodynamic stability) indicates that this missense variant is not expected to disrupt BRCA2 protein function with a negative predictive value of 95%. In summary, the available evidence is currently insufficient to determine the role of this variant in disease. Therefore, it has been classified as a Variant of Uncertain Significance.

Ambry Genetics
Classification: Uncertain significance for Hereditary cancer-predisposing syndrome. Last evaluated: 2024-07-02. Review status: criteria provided, single submitter. Criteria: Ambry Variant Classification Scheme 2023. Collection method: clinical testing. Allele origin: germline.
Comment: The p.D1360Y variant (also known as c.4078G>T), located in coding exon 10 of the BRCA2 gene, results from a G to T substitution at nucleotide position 4078. The aspartic acid at codon 1360 is replaced by tyrosine, an amino acid with highly dissimilar properties. This amino acid position is not well conserved in available vertebrate species. In addition, this alteration is predicted to be tolerated by in silico analysis. Based on the available evidence, the clinical significance of this variant remains unclear.

University of Washington Department of Laboratory Medicine, University of Washington
Classification: Likely benign for Hereditary cancer-predisposing syndrome. Last evaluated: 2023-03-23. Review status: criteria provided, single submitter. Criteria: Dines et al. (Genet Med. 2020). Collection method: curation. Allele origin: germline.
Comment: Missense variant in a coldspot region where missense variants are very unlikely to be pathogenic (PMID:31911673).

BRCA2 exon 11 coldspot. Reclassification based on statistical prior probability.